The following is an entry in ClinVar:

ClinVar aggregate classification (germline): Uncertain significance (1 of 4 stars; one submission).

Submission:

Dasa
Classification: Uncertain significance. Last evaluated: 2024-12-24. Review status: criteria provided, single submitter. Criteria: DASA Assertion Criteria. Collection method: clinical testing. Allele origin: germline.
Comment: NM_002435.3(MPI):c.853G>C (p.Glu285Gln) is a missense variant that results in the substitution of glutamic acid with glutamine. This variant has been observed in affected individuals with MPI-related disorders. Also, this variant is absent from population databases. Computational prediction algorithms are consistent with a deleterious effect. The currently available literature and clinical evidence are not sufficient to establish a definitive association between this variant and the reported condition. Therefore, this variant is classified as a variant of uncertain significance.

NM_002435.3(MPI):c.853G>C (p.Glu285Gln)

Gene: MPI (mannose phosphate isomerase; plus strand). Cytogenetic location: 15q24.1.
Variant type: single nucleotide variant.
Coding change: c.853G>C on transcript NM_002435.3 (MANE Select); coding-DNA position 853, G replaced by C.
Protein change: p.Glu285Gln; replaces glutamic acid 285 with glutamine.
Molecular consequence: missense variant. On other transcripts: intron variant (1).
Genome position (GRCh38, 1-based): chr15:74,897,019, G>C. VCF-style: chr15-74897019-G-C. GRCh37 (hg19) VCF-style: chr15-75189360-G-C.
Other names: c.703G>C, p.Glu235Gln (NM_001289156.2); c.670G>C, p.Glu224Gln (NM_001289157.2); c.793G>C, p.Glu265Gln (NM_001330372.2); c.845-493G>C (NM_001289155.2); short protein forms E224Q, E235Q, E265Q, E285Q.
Identifiers: ClinVar variation 4883110 (VCV004883110.2).